The following is an entry in ClinVar:

NM_001378454.1(ALMS1):c.8391dup (p.Leu2798fs)

Gene: ALMS1 (ALMS1 centrosome and basal body associated protein; plus strand). Cytogenetic location: 2p13.1.
Variant type: Duplication.
Coding change: c.8391dup on transcript NM_001378454.1 (MANE Select); coding-DNA position 8391, one base duplicated (A; older notation c.8391dupA).
Protein change: p.Leu2798fs; shifts the reading frame from leucine 2798.
Molecular consequence: frameshift variant.
Genome position (GRCh38, 1-based): chr2:73,490,350, A duplicated; the last of 5 consecutive A bases (chr2:73,490,346-73,490,350); duplicating any one gives the same sequence. VCF-style (leftmost placement, unchanged base first): chr2-73490345-C-CA. GRCh37 (hg19) VCF-style: chr2-73717472-C-CA.
Other names: c.8394dupA (NM_015120.4); c.8394dup, p.Leu2799fs (NM_015120.4); short protein forms L2799fs, L2798fs.
Identifiers: ClinVar variation 550848 (VCV000550848.14), dbSNP rs1553409715, ClinGen allele CA658821979.

ClinVar aggregate classification (germline): Pathogenic. Review status: criteria provided, multiple submitters, no conflicts (2 of 4 stars). 6 submissions from 6 submitters: Pathogenic (5). 1 of the submissions does not count toward it. Last evaluated 2026-08-06.

Conditions:
Cardiovascular phenotype. Identifiers: MedGen CN230736.
Alstrom syndrome (ALMS). Identifiers: Orphanet 64, MedGen C0268425, MONDO:0008763, OMIM 203800.

Submissions (6):

OLLIN Analises Genomicas, OLLIN
Classification: Pathogenic for Alstrom syndrome. Last evaluated: 2026-08-06. Review status: criteria provided, single submitter. Criteria: ACMG Guidelines 2015 PMID 25741868. Collection method: clinical testing. Allele origin: germline. Inheritance: Autosomal recessive inheritance.
Comment: This frameshift variant, located in exon 10 (of 23), is absent from gnomAD but has been reported in ClinVar (accession VCV000550848.13) and in the scientific literature, in compound heterozygosity, in individuals with ALMS1 related disorders (PMID: 11941369, 17594715, 24257694). This variant causes a frameshift and introduces a premature stop codon, which is predicted to result in either a truncated protein or degradation of the mRNA via nonsense-mediated decay (NMD). According to the currently available evidence, this variant has been classified as pathogenic (PVS1, PM2_P, PM3_VS).

Labcorp Genetics (formerly Invitae), Labcorp
Classification: Pathogenic for Alstrom syndrome. Last evaluated: 2025-12-15. Review status: criteria provided, single submitter. Criteria: Invitae Variant Classification Sherloc (09022015). Collection method: clinical testing. Allele origin: germline.
Comment: This sequence change creates a premature translational stop signal (p.Leu2799Ilefs*4) in the ALMS1 gene. It is expected to result in an absent or disrupted protein product. Loss-of-function variants in ALMS1 are known to be pathogenic (PMID: 17594715). This variant is not present in population databases (gnomAD no frequency). This premature translational stop signal has been observed in individuals with Alstrom syndrome (PMID: 11941369, 17594715, 24257694, 30064963). This variant is also known as c.8395insA, c.8383insA or c.8394_8395insA. ClinVar contains an entry for this variant (Variation ID: 550848). For these reasons, this variant has been classified as Pathogenic.

Natera, Inc.
Classification: Pathogenic for Alstrom syndrome. Last evaluated: 2025-10-20. Review status: criteria provided, single submitter. Criteria: Natera Variant Classification Schema (03/2026). Collection method: clinical testing. Allele origin: germline.
Comment: The c.8394dupA variant in ALMS1 is a frameshift variant predicted to shift the reading frame beginning at codon 2799 and leads to a stop codon 4 codons downstream. This variant is expected to result in nonsense mediated decay, truncation, or a dysfunctional protein product. This variant is rare in the general population with a frequency below the threshold expected for the associated phenotype(s). This variant has been observed in one or more individuals affected with the associated recessive disease, as either homozygous or compound heterozygous with a second variant (PMID: 17594715). Given the available evidence, this variant is classified as Pathogenic.

Dasa
Classification: Pathogenic. Last evaluated: 2025-10-14. Review status: criteria provided, single submitter. Criteria: DASA Assertion Criteria. Collection method: clinical testing. Allele origin: germline.
Comment: NM_001378454.1(ALMS1):c.8391dup (p.Leu2798Ilefs*4) introduces a premature termination codon predicted to result in loss of normal protein function. Loss-of-function is an established mechanism of disease for this gene. The variant is present at low frequency in population datasets. Based on the available data, this variant is classified as pathogenic.

Ambry Genetics
Classification: Pathogenic for Cardiovascular phenotype. Last evaluated: 2019-01-04. Review status: criteria provided, single submitter. Criteria: Ambry Variant Classification Scheme 2023. Collection method: clinical testing. Allele origin: germline.
Comment: The c.8394dupA pathogenic mutation, located in coding exon 10 of the ALMS1 gene, results from a duplication of A at nucleotide position 8394, causing a translational frameshift with a predicted alternate stop codon (p.L2799Ifs*4). This alteration has been described in the homozygous or compound heterozygous state in multiple individuals with Alstr&ouml;m syndrome (Marshall JD et al. Hum. Mutat., 2007 Nov;28:1114-23; Gee HY et al. Kidney Int., 2014 Apr;85:880-7). In addition to the clinical data presented in the literature, this alteration is expected to result in loss of function by premature protein truncation or nonsense-mediated mRNA decay. As such, this alteration is interpreted as a disease-causing mutation.

Counsyl
Classification: Pathogenic for Alstrom syndrome. Last evaluated: 2017-02-24. Review status: no assertion criteria provided. Collection method: clinical testing. Allele origin: unknown. Not counted in ClinVar's aggregate classification.

Literature cited by the submitters: PubMed 11941369 (cited by 3 submitters); PubMed 17594715 (cited by 5 submitters); PubMed 24257694 (cited by 3 submitters); PubMed 30064963 (cited by Labcorp Genetics (formerly Invitae), Labcorp).